The following is an entry in ClinVar:

ClinVar aggregate classification (germline): Uncertain significance (1 of 4 stars; one submission).

Conditions:
Cardiovascular phenotype. Identifiers: MedGen CN230736.

Submission:

Ambry Genetics
Classification: Uncertain significance for Cardiovascular phenotype. Last evaluated: 2024-04-08. Review status: criteria provided, single submitter. Criteria: Ambry Variant Classification Scheme 2023. Collection method: clinical testing. Allele origin: germline.
Comment: The p.R390H variant (also known as c.1169G>A), located in coding exon 1 of the FKRP gene, results from a G to A substitution at nucleotide position 1169. The arginine at codon 390 is replaced by histidine, an amino acid with highly similar properties. This amino acid position is conserved. In addition, the in silico prediction for this alteration is inconclusive. Based on the available evidence, the clinical significance of this variant remains unclear.

NM_024301.5(FKRP):c.1169G>A (p.Arg390His)

Gene: FKRP (fukutin related protein; plus strand). Cytogenetic location: 19q13.32.
Variant type: single nucleotide variant.
Coding change: c.1169G>A on transcript NM_024301.5 (MANE Select); coding-DNA position 1169, G replaced by A.
Protein change: p.Arg390His; replaces arginine 390 with histidine.
Molecular consequence: missense variant.
Genome position (GRCh38, 1-based): chr19:46,756,619, G>A. VCF-style: chr19-46756619-G-A. GRCh37 (hg19) VCF-style: chr19-47259876-G-A.
Other names: c.1169G>A, p.Arg390His (NM_001039885.3); short protein forms R390H.
Identifiers: ClinVar variation 3278984 (VCV003278984.1).